The following is an entry in ClinVar:

ClinVar aggregate classification (germline): Uncertain significance. Review status: criteria provided, multiple submitters, no conflicts (2 of 4 stars). 2 submissions from 2 submitters: Uncertain significance (2). Last evaluated 2022-11-11.

Conditions:
Dilated cardiomyopathy 1DD (CMD1DD). Identifiers: Orphanet 154, MedGen C2750995, MONDO:0013168, OMIM 613172.

Submissions (2):

GeneDx
Classification: Uncertain significance. Last evaluated: 2022-11-11. Review status: criteria provided, single submitter. Criteria: GeneDx Variant Classification Process June 2021. Collection method: clinical testing. Allele origin: germline. Affected: yes.
Comment: Has not been previously published as pathogenic or benign to our knowledge; Not observed at significant frequency in large population cohorts (gnomAD); Nonsense variant predicted to result in protein truncation or nonsense mediated decay in a gene or region of a gene for which loss of function is not a well-established mechanism of disease

Labcorp Genetics (formerly Invitae), Labcorp
Classification: Uncertain significance for Dilated cardiomyopathy 1DD. Last evaluated: 2018-09-14. Review status: criteria provided, single submitter. Criteria: Invitae Variant Classification Sherloc (09022015). Collection method: clinical testing. Allele origin: germline.
Comment: This sequence change creates a premature translational stop signal (p.Gln386*) in the RBM20 gene. It is expected to result in an absent or disrupted protein product. This variant is not present in population databases (ExAC no frequency). This variant has not been reported in the literature in individuals with RBM20-related disease. ClinVar contains an entry for this variant (Variation ID: 202055). The current clinical and genetic evidence is not sufficient to establish whether loss-of-function variants in RBM20 cause disease. In summary, the available evidence is currently insufficient to determine the role of this variant in disease. Therefore, it has been classified as a Variant of Uncertain Significance.

NM_001134363.3(RBM20):c.1156C>T (p.Gln386Ter)

Gene: RBM20 (RNA binding motif protein 20; plus strand). Cytogenetic location: 10q25.2.
Variant type: single nucleotide variant.
Coding change: c.1156C>T on transcript NM_001134363.3 (MANE Select); coding-DNA position 1156, C replaced by T.
Protein change: p.Gln386Ter; replaces glutamine 386 with a stop codon.
Molecular consequence: nonsense.
Genome position (GRCh38, 1-based): chr10:110,781,765, C>T. VCF-style: chr10-110781765-C-T. GRCh37 (hg19) VCF-style: chr10-112541523-C-T.
Other names: p.Q386*:CAG>TAG; c.1156C>T (LRG_382t1); short protein forms Q386*.
Identifiers: ClinVar variation 202055 (VCV000202055.4), dbSNP rs794729143, ClinGen allele CA335533.